The following is an entry in ClinVar:

NM_000350.3(ABCA4):c.5835+1G>T

Gene: ABCA4 (ATP binding cassette subfamily A member 4; minus strand). Cytogenetic location: 1p22.1.
Variant type: single nucleotide variant.
Coding change: c.5835+1G>T on transcript NM_000350.3 (MANE Select); the canonical splice donor site of the intron after coding-DNA position 5835, G replaced by T.
Molecular consequence: splice donor variant.
Genome position (GRCh38, 1-based): chr1:94,008,750, C>A on the plus strand (G>T on the coding strand, the complement: ABCA4 is on the minus strand). VCF-style: chr1-94008750-C-A. GRCh37 (hg19) VCF-style: chr1-94474306-C-A.
Identifiers: ClinVar variation 2016326 (VCV002016326.4), dbSNP rs1475966997, ClinGen allele CA341280096.

ClinVar aggregate classification (germline): Pathogenic (1 of 4 stars; one submission).

Allele frequency attached by ClinVar (database versions not stated): gnomAD exomes below 0.00001.
gnomAD v4.1: 1 of 1,614,028 alleles (0.000062%); highest among the groups gnomAD compares: Admixed American, 0.0017%; no homozygotes.

Submission:

Labcorp Genetics (formerly Invitae), Labcorp
Classification: Pathogenic. Last evaluated: 2022-07-12. Review status: criteria provided, single submitter. Criteria: Invitae Variant Classification Sherloc (09022015). Collection method: clinical testing. Allele origin: germline.
Comment: Disruption of this splice site has been observed in individual(s) with Stargardt disease (Invitae). Algorithms developed to predict the effect of sequence changes on RNA splicing suggest that this variant may disrupt the consensus splice site. For these reasons, this variant has been classified as Pathogenic. This variant is present in population databases (no rsID available, gnomAD 0.003%). This sequence change affects a donor splice site in intron 41 of the ABCA4 gene. It is expected to disrupt RNA splicing. Variants that disrupt the donor or acceptor splice site typically lead to a loss of protein function (PMID: 16199547), and loss-of-function variants in ABCA4 are known to be pathogenic (PMID: 10958761, 24938718, 25312043, 26780318).

Literature cited by the submitters: PubMed 16199547; PubMed 10958761; PubMed 24938718; PubMed 25312043; PubMed 26780318.